The following is an entry in ClinVar:

ClinVar aggregate classification (germline): Uncertain significance (1 of 4 stars; one submission).

Conditions:
Familial hypocalciuric hypercalcemia (FHH). Also called: Familial benign hypercalcemia. Identifiers: Orphanet 405, MedGen C1809471, MONDO:0018458.
Autosomal dominant hypocalcemia 1 (HYPOC1). Also called: HYPOCALCEMIA, FAMILIAL. Identifiers: MedGen C3715128, MONDO:0011013, OMIM 601198.

gnomAD v4.1: 1 of 1,613,952 alleles (0.000062%); highest among the groups gnomAD compares: Non-Finnish European, 0.000085%; no homozygotes.

Submission:

Labcorp Genetics (formerly Invitae), Labcorp
Classification: Uncertain significance for Familial hypocalciuric hypercalcemia; Autosomal dominant hypocalcemia 1. Last evaluated: 2022-09-04. Review status: criteria provided, single submitter. Criteria: Invitae Variant Classification Sherloc (09022015). Collection method: clinical testing. Allele origin: germline.
Comment: This sequence change replaces arginine, which is basic and polar, with tryptophan, which is neutral and slightly polar, at codon 898 of the CASR protein (p.Arg898Trp). Algorithms developed to predict the effect of missense changes on protein structure and function (SIFT, PolyPhen-2, Align-GVGD) all suggest that this variant is likely to be disruptive. ClinVar contains an entry for this variant (Variation ID: 1466792). This variant has not been reported in the literature in individuals affected with CASR-related conditions. This variant is not present in population databases (gnomAD no frequency). In summary, the available evidence is currently insufficient to determine the role of this variant in disease. Therefore, it has been classified as a Variant of Uncertain Significance.

NM_000388.4(CASR):c.2692C>T (p.Arg898Trp)

Gene: CASR (calcium sensing receptor; plus strand). Cytogenetic location: 3q21.1.
Variant type: single nucleotide variant.
Coding change: c.2692C>T on transcript NM_000388.4 (MANE Select); coding-DNA position 2692, C replaced by T.
Protein change: p.Arg898Trp; replaces arginine 898 with tryptophan.
Molecular consequence: missense variant.
Genome position (GRCh38, 1-based): chr3:122,284,646, C>T. VCF-style: chr3-122284646-C-T. GRCh37 (hg19) VCF-style: chr3-122003493-C-T.
Other names: c.2722C>T, p.Arg908Trp (NM_001178065.2); short protein forms R898W, R908W.
Identifiers: ClinVar variation 1466792 (VCV001466792.8), dbSNP rs747205055, ClinGen allele CA354160567.